The following is an entry in ClinVar:

ClinVar aggregate classification (germline): Uncertain significance (1 of 4 stars; one submission).

Allele frequency attached by ClinVar (database versions not stated): gnomAD exomes below 0.00001.
gnomAD v4.1: 1 of 1,611,396 alleles (0.000062%); highest among the groups gnomAD compares: Non-Finnish European, 0.000085%; no homozygotes.

Submission:

GeneDx
Classification: Uncertain significance. Last evaluated: 2022-04-22. Review status: criteria provided, single submitter. Criteria: GeneDx Variant Classification Process June 2021. Collection method: clinical testing. Allele origin: germline. Affected: yes.
Comment: Not observed at significant frequency in large population cohorts (gnomAD); In silico analysis supports that this missense variant does not alter protein structure/function; Has not been previously published as pathogenic or benign to our knowledge

NM_001329943.3(KIAA0586):c.931T>A (p.Ser311Thr)

Gene: KIAA0586 (KIAA0586; plus strand). Cytogenetic location: 14q23.1.
Variant type: single nucleotide variant.
Coding change: c.931T>A on transcript NM_001329943.3 (MANE Select); coding-DNA position 931, T replaced by A.
Protein change: p.Ser311Thr; replaces serine 311 with threonine.
Molecular consequence: missense variant.
Genome position (GRCh38, 1-based): chr14:58,448,463, T>A. VCF-style: chr14-58448463-T-A. GRCh37 (hg19) VCF-style: chr14-58915181-T-A.
Other names: c.1090T>A, p.Ser364Thr (NM_001244189.2); c.886T>A, p.Ser296Thr (NM_001244190.2); c.676T>A, p.Ser226Thr (NM_001244191.2, NM_001329945.2, NM_001364700.1 and 1 more transcripts); c.799T>A, p.Ser267Thr (NM_001244192.2); c.511T>A, p.Ser171Thr (NM_001244193.2); c.931T>A, p.Ser311Thr (NM_001329944.2, NM_001329946.2, NM_001329947.2 and 1 more transcripts); short protein forms S171T, S226T, S267T, S296T, S311T, S364T.
Identifiers: ClinVar variation 1722899 (VCV001722899.2), dbSNP rs2542904645, ClinGen allele CA389864182.